The following is an entry in ClinVar:

ClinVar aggregate classification (germline): Conflicting classifications of pathogenicity. Review status: criteria provided, conflicting classifications (1 of 4 stars). 4 submissions from 4 submitters: Uncertain significance (3); Likely benign (1). Last evaluated 2026-02-09.

Conditions:
Inborn genetic diseases. Identifiers: MedGen C0950123, MeSH D030342.
SACS-related disorder. Also called: SACS-related condition.
Spastic paraplegia. Identifiers: MedGen C0037772, HP:0001258.

Allele frequency attached by ClinVar (database versions not stated): TOPMed below 0.00001; ExAC 0.00001; gnomAD 0.00001.
gnomAD v4.1: 16 of 1,613,674 alleles (0.00099%); highest among the groups gnomAD compares: African/African-American, 0.0027%; no homozygotes.

Submissions (4):

Women's Health and Genetics/Laboratory Corporation of America, LabCorp
Classification: Uncertain significance. Last evaluated: 2026-02-09. Review status: criteria provided, single submitter. Criteria: LabCorp Variant Classification Summary - May 2015. Collection method: clinical testing. Allele origin: germline.
Comment: Variant summary: SACS c.3769G>A (p.Gly1257Arg) results in a non-conservative amino acid change in the encoded protein sequence. Algorithms developed to predict the effect of missense changes on protein structure and function all suggest that this variant is likely to be disruptive. The variant allele was found at a frequency of 1.2e-05 in 250608 control chromosomes. The available data on variant occurrences in the general population are insufficient to allow any conclusion about variant significance. To our knowledge, no occurrence of c.3769G>A in individuals affected with SACS-related conditions and no experimental evidence demonstrating its impact on protein function have been reported. ClinVar contains an entry for this variant (Variation ID: 2058387). Based on the evidence outlined above, the variant was classified as uncertain significance.

Labcorp Genetics (formerly Invitae), Labcorp
Classification: Likely benign for Spastic paraplegia. Last evaluated: 2026-01-05. Review status: criteria provided, single submitter. Criteria: Invitae Variant Classification Sherloc (09022015). Collection method: clinical testing. Allele origin: germline.

Ambry Genetics
Classification: Uncertain significance for Inborn genetic diseases. Last evaluated: 2025-12-15. Review status: criteria provided, single submitter. Criteria: Ambry Variant Classification Scheme 2023. Collection method: clinical testing. Allele origin: germline.

PreventionGenetics, part of Exact Sciences
Classification: Uncertain significance for SACS-related condition. Last evaluated: 2023-02-15. Review status: criteria provided, single submitter. Criteria: ACMG Guidelines, 2015. Collection method: clinical testing. Allele origin: germline.
Comment: The SACS c.3769G>A variant is predicted to result in the amino acid substitution p.Gly1257Arg. To our knowledge, this variant has not been reported in the literature. This variant is reported in 0.0062% of alleles in individuals of African descent in gnomAD. This variant could be pathogenic. At this time, the clinical significance of this variant is uncertain due to the absence of conclusive functional and genetic evidence.

NM_014363.6(SACS):c.3769G>A (p.Gly1257Arg)

Gene: SACS (sacsin molecular chaperone; minus strand). Cytogenetic location: 13q12.12.
Variant type: single nucleotide variant.
Coding change: c.3769G>A on transcript NM_014363.6 (MANE Select); coding-DNA position 3769, G replaced by A.
Protein change: p.Gly1257Arg; replaces glycine 1257 with arginine.
Molecular consequence: missense variant.
Genome position (GRCh38, 1-based): chr13:23,340,107, C>T on the plus strand (G>A on the coding strand, the complement: SACS is on the minus strand). VCF-style: chr13-23340107-C-T. GRCh37 (hg19) VCF-style: chr13-23914246-C-T.
Other names: c.3769G>A (NM_014363.5, NM_014363.4); c.3328G>A, p.Gly1110Arg (NM_001278055.2); short protein forms G1110R, G1257R.
Identifiers: ClinVar variation 2058387 (VCV002058387.7), dbSNP rs767797830, ClinGen allele CA6911476.